The following is an entry in ClinVar:

ClinVar aggregate classification (germline): Uncertain significance. Review status: criteria provided, multiple submitters, no conflicts (2 of 4 stars). 2 submissions from 2 submitters: Uncertain significance (2). Last evaluated 2025-04-17.

Conditions:
Joubert syndrome 21 (JBTS21). Identifiers: MedGen C3810212, MONDO:0014288, OMIM 615636.

Allele frequency attached by ClinVar (database versions not stated): gnomAD 0.00003; TOPMed 0.00001; gnomAD exomes 0.00002 and 0.00003; ExAC 0.00002.
gnomAD v4.1: 45 of 1,613,864 alleles (0.0028%); highest among the groups gnomAD compares: Non-Finnish European, 0.0037%; no homozygotes.

Submissions (2):

Labcorp Genetics (formerly Invitae), Labcorp
Classification: Uncertain significance for Joubert syndrome 21. Last evaluated: 2025-04-17. Review status: criteria provided, single submitter. Criteria: Invitae Variant Classification Sherloc (09022015). Collection method: clinical testing. Allele origin: germline.
Comment: This sequence change replaces alanine, which is neutral and non-polar, with valine, which is neutral and non-polar, at codon 1077 of the CSPP1 protein (p.Ala1077Val). This variant is present in population databases (rs199738369, gnomAD 0.006%). This variant has not been reported in the literature in individuals affected with CSPP1-related conditions. ClinVar contains an entry for this variant (Variation ID: 432417). An algorithm developed to predict the effect of missense changes on protein structure and function (PolyPhen-2) suggests that this variant is likely to be tolerated. In summary, the available evidence is currently insufficient to determine the role of this variant in disease. Therefore, it has been classified as a Variant of Uncertain Significance.

GeneDx
Classification: Uncertain significance. Last evaluated: 2021-12-09. Review status: criteria provided, single submitter. Criteria: GeneDx Variant Classification Process June 2021. Collection method: clinical testing. Allele origin: germline. Affected: yes.
Comment: Not observed at significant frequency in large population cohorts (Lek et al., 2016); In silico analysis supports that this missense variant does not alter protein structure/function; Has not been previously published as pathogenic or benign to our knowledge

NM_001382391.1(CSPP1):c.3245C>T (p.Ala1082Val)

Genes: ARFGEF1 (ARF guanine nucleotide exchange factor 1; minus strand), CSPP1 (centrosome and spindle pole associated protein 1; plus strand). Cytogenetic location: 8q13.2.
Variant type: single nucleotide variant.
Coding change: c.3245C>T on transcript NM_001382391.1 (MANE Select); coding-DNA position 3245, C replaced by T.
Protein change: p.Ala1082Val; replaces alanine 1082 with valine.
Molecular consequence: missense variant. On other transcripts: intron variant (2).
Genome position (GRCh38, 1-based): chr8:67,190,674, C>T. VCF-style: chr8-67190674-C-T. GRCh37 (hg19) VCF-style: chr8-68102909-C-T.
Other names: c.2195C>T, p.Ala732Val (NM_001291339.2); c.3164C>T, p.Ala1055Val (NM_001363131.2); c.3050C>T, p.Ala1017Val (NM_001363132.2); c.2969C>T, p.Ala990Val (NM_001363133.2); c.3311C>T, p.Ala1104Val (NM_001364869.1); c.3131C>T, p.Ala1044Val (NM_001364870.1); c.3077C>T, p.Ala1026Val (NM_001438330.1); c.3230C>T, p.Ala1077Val (NM_001438331.1, NM_024790.7); and 3 more; short protein forms A1077V, A1017V, A1055V, A990V, A1104V, A1044V, A732V, A1082V.
Identifiers: ClinVar variation 432417 (VCV000432417.7), dbSNP rs199738369, ClinGen allele CA4771112.